The following is an entry in ClinVar:

ClinVar aggregate classification (germline): Benign/Likely benign. Review status: criteria provided, multiple submitters, no conflicts (2 of 4 stars). 4 submissions from 4 submitters: Benign (2); Likely benign (2). Last evaluated 2026-02-01.

Allele frequency attached by ClinVar (database versions not stated): gnomAD exomes 0.00040 and 0.00097; ExAC 0.00125; gnomAD 0.00360 and 0.00391; 1000 Genomes Project 0.00399; TOPMed 0.00431; 1000 Genomes Project 30x 0.00453; ESP Exome Variant Server 0.00515.
gnomAD v4.1: 1,158 of 1,614,154 alleles (0.072%); highest among the groups gnomAD compares: African/African-American, 1.4%; 11 homozygotes.

Submissions (4):

CeGaT Center for Human Genetics Tuebingen
Classification: Likely benign. Last evaluated: 2026-02-01. Review status: criteria provided, single submitter. Criteria: CeGaT Center For Human Genetics Tuebingen Variant Classification Criteria Version 2. Collection method: clinical testing. Allele origin: germline. Affected: yes. Observed: 3 variant alleles.
Comment: HERC2: BP4, BP7, BS1

Blueprint Genetics
Classification: Likely benign. Last evaluated: 2024-11-14. Review status: criteria provided, single submitter. Criteria: ACMG Guidelines, 2015. Collection method: clinical testing. Allele origin: germline.

Labcorp Genetics (formerly Invitae), Labcorp
Classification: Benign. Last evaluated: 2019-12-31. Review status: criteria provided, single submitter. Criteria: Invitae Variant Classification Sherloc (09022015). Collection method: clinical testing. Allele origin: germline.

Breakthrough Genomics
Classification: Benign. Review status: criteria provided, single submitter. Criteria: ACMG Guidelines, 2015. Collection method: not provided. Allele origin: germline. Inheritance: Autosomal recessive inheritance. Affected: yes.

NM_004667.6(HERC2):c.9111G>A (p.Arg3037=)

Gene: HERC2 (HECT and RLD domain containing E3 ubiquitin protein ligase 2; minus strand). Cytogenetic location: 15q13.1.
Variant type: single nucleotide variant.
Coding change: c.9111G>A on transcript NM_004667.6 (MANE Select); coding-DNA position 9111, G replaced by A.
Protein change: p.Arg3037=; no amino-acid change (arginine 3037 retained).
Molecular consequence: synonymous variant.
Genome position (GRCh38, 1-based): chr15:28,178,939, C>T on the plus strand (G>A on the coding strand, the complement: HERC2 is on the minus strand). VCF-style: chr15-28178939-C-T. GRCh37 (hg19) VCF-style: chr15-28424085-C-T.
Identifiers: ClinVar variation 711951 (VCV000711951.12), dbSNP rs148092853, ClinGen allele CA7441263.